The following is an entry in ClinVar:

ClinVar aggregate classification (germline): Pathogenic (1 of 4 stars; one submission).

Submission:

Labcorp Genetics (formerly Invitae), Labcorp
Classification: Pathogenic. Last evaluated: 2025-07-07. Review status: criteria provided, single submitter. Criteria: Invitae Variant Classification Sherloc (09022015). Collection method: clinical testing. Allele origin: germline.
Comment: This sequence change creates a premature translational stop signal (p.Gln458*) in the TBCK gene. It is expected to result in an absent or disrupted protein product. Loss-of-function variants in TBCK are known to be pathogenic (PMID: 27040692, 30103036). This variant is not present in population databases (gnomAD no frequency). This variant has not been reported in the literature in individuals affected with TBCK-related conditions. ClinVar contains an entry for this variant (Variation ID: 2115364). Algorithms developed to predict the effect of sequence changes on RNA splicing suggest that this variant may disrupt the consensus splice site. For these reasons, this variant has been classified as Pathogenic.

Literature cited by the submitters: PubMed 27040692; PubMed 30103036.

NM_001163435.3(TBCK):c.1372C>T (p.Gln458Ter)

Gene: TBCK (TBC1 domain containing kinase; minus strand). Cytogenetic location: 4q24.
Variant type: single nucleotide variant.
Coding change: c.1372C>T on transcript NM_001163435.3 (MANE Select); coding-DNA position 1372, C replaced by T.
Protein change: p.Gln458Ter; replaces glutamine 458 with a stop codon.
Molecular consequence: nonsense.
Genome position (GRCh38, 1-based): chr4:106,235,346, G>A on the plus strand (C>T on the coding strand, the complement: TBCK is on the minus strand). VCF-style: chr4-106235346-G-A. GRCh37 (hg19) VCF-style: chr4-107156503-G-A.
Other names: c.1372C>T, p.Gln458Ter (NM_001163436.4); c.1255C>T, p.Gln419Ter (NM_001163437.3); c.856C>T, p.Gln286Ter (NM_001290768.2); c.1183C>T, p.Gln395Ter (NM_033115.5); short protein forms Q286*, Q458*, Q395*, Q419*.
Identifiers: ClinVar variation 2115364 (VCV002115364.4), dbSNP rs1759333124, ClinGen allele CA357823048.